The following is an entry in ClinVar:

ClinVar aggregate classification (germline): Pathogenic (1 of 4 stars; one submission).

Conditions:
Gnathodiaphyseal dysplasia (GDD). Also called: GNATHODIAPHYSEAL SCLEROSIS; OSTEOGENESIS IMPERFECTA WITH UNUSUAL SKELETAL LESIONS. Identifiers: Orphanet 53697, MedGen C1833736, MONDO:0008151, OMIM 166260.
Autosomal recessive limb-girdle muscular dystrophy type 2L (LGMDR12). Also called: Limb-girdle muscular dystrophy, type 2L; MUSCULAR DYSTROPHY, LIMB-GIRDLE, AUTOSOMAL RECESSIVE 12; Limb-Girdle Muscular Dystrophy R12 Anoctamin-5-Related (LGMD-R12). Identifiers: Orphanet 206549, MedGen C1969785, MONDO:0012652, OMIM 611307.

Submission:

Labcorp Genetics (formerly Invitae), Labcorp
Classification: Pathogenic for Autosomal recessive limb-girdle muscular dystrophy type 2L; Gnathodiaphyseal dysplasia. Last evaluated: 2023-08-17. Review status: criteria provided, single submitter. Criteria: Invitae Variant Classification Sherloc (09022015). Collection method: clinical testing. Allele origin: germline.
Comment: This sequence change creates a premature translational stop signal (p.Glu95Valfs*10) in the ANO5 gene. It is expected to result in an absent or disrupted protein product. Loss-of-function variants in ANO5 are known to be pathogenic (PMID: 21186264, 23606453, 25891276, 30919934). This variant is not present in population databases (gnomAD no frequency). This variant has not been reported in the literature in individuals affected with ANO5-related conditions. For these reasons, this variant has been classified as Pathogenic.

Literature cited by the submitters: PubMed 21186264; PubMed 23606453; PubMed 25891276; PubMed 30919934.

NM_213599.3(ANO5):c.284_285del (p.Glu95fs)

Gene: ANO5 (anoctamin 5; plus strand). Cytogenetic location: 11p14.3.
Variant type: Microsatellite.
Coding change: c.284_285del on transcript NM_213599.3 (MANE Select); coding-DNA positions 284 to 285, 2 bases deleted (AG; older notation c.284_285delAG).
Protein change: p.Glu95fs; shifts the reading frame from glutamic acid 95.
Molecular consequence: frameshift variant.
Genome position (GRCh38, 1-based): chr11:22,221,200-22,221,201, AG deleted; deleting any 2 consecutive bases within chr11:22,221,198-22,221,201 gives the same sequence; the c. name uses the placement nearest the transcript's 3' end. VCF-style (leftmost placement, unchanged base first): chr11-22221197-CAG-C. GRCh37 (hg19) VCF-style: chr11-22242743-CAG-C.
Other names: c.281_282del, p.Glu94fs (NM_001142649.2); c.240_241AG[1], p.Glu81Valfs (NM_001410963.1); c.237_238AG[1], p.Glu80Valfs (NM_001410964.1); short protein forms E95fs, E94fs.
Identifiers: ClinVar variation 2101656 (VCV002101656.4), dbSNP rs2494118752, ClinGen allele CA2580615647.